The following is an entry in ClinVar:

NM_000051.4(ATM):c.5677T>A (p.Ser1893Thr)

Gene: ATM (ATM serine/threonine kinase; plus strand). Cytogenetic location: 11q22.3.
Variant type: single nucleotide variant.
Coding change: c.5677T>A on transcript NM_000051.4 (MANE Select); coding-DNA position 5677, T replaced by A.
Protein change: p.Ser1893Thr; replaces serine 1893 with threonine.
Molecular consequence: missense variant.
Genome position (GRCh38, 1-based): chr11:108,307,899, T>A. VCF-style: chr11-108307899-T-A. GRCh37 (hg19) VCF-style: chr11-108178626-T-A.
Other names: p.S1893T:TCA>ACA; c.5677T>A, p.Ser1893Thr (NM_001351834.2); short protein forms S1893T.
Identifiers: ClinVar variation 181970 (VCV000181970.5), dbSNP rs730881376, ClinGen allele CA298284.

ClinVar aggregate classification (germline): Uncertain significance. Review status: criteria provided, multiple submitters, no conflicts (2 of 4 stars). 3 submissions from 3 submitters: Uncertain significance (3). Last evaluated 2025-08-09.

Conditions:
Hereditary cancer-predisposing syndrome. Also called: Tumor predisposition; Hereditary Cancer Syndrome; Hereditary neoplastic syndrome; Neoplastic Syndromes, Hereditary. Identifiers: Orphanet 140162, MedGen C0027672, MeSH D009386, MONDO:0015356.
Ataxia-telangiectasia syndrome (AT). Also called: LOUIS-BAR SYNDROME; Cerebello-oculocutaneous telangiectasia; Immunodeficiency with ataxia telangiectasia; ATAXIA-TELANGIECTASIA, COMPLEMENTATION GROUP A; ATAXIA-TELANGIECTASIA, FRESNO VARIANT; Ataxia-telangiectasia. Identifiers: Orphanet 100, MedGen C0004135, MONDO:0008840, OMIM 208900.

Submissions (3):

Ambry Genetics
Classification: Uncertain significance for Hereditary cancer-predisposing syndrome. Last evaluated: 2025-08-09. Review status: criteria provided, single submitter. Criteria: Ambry Variant Classification Scheme 2023. Collection method: clinical testing. Allele origin: germline.
Comment: The p.S1893T variant (also known as c.5677T>A), located in coding exon 37 of the ATM gene, results from a T to A substitution at nucleotide position 5677. The serine at codon 1893 is replaced by threonine, an amino acid with similar properties. This amino acid position is conserved. In addition, this alteration is predicted to be tolerated by in silico analysis. Based on the available evidence, the clinical significance of this variant remains unclear.

Labcorp Genetics (formerly Invitae), Labcorp
Classification: Uncertain significance for Ataxia-telangiectasia syndrome. Last evaluated: 2024-07-15. Review status: criteria provided, single submitter. Criteria: Invitae Variant Classification Sherloc (09022015). Collection method: clinical testing. Allele origin: germline.
Comment: This sequence change replaces serine, which is neutral and polar, with threonine, which is neutral and polar, at codon 1893 of the ATM protein (p.Ser1893Thr). This variant is not present in population databases (gnomAD no frequency). This variant has not been reported in the literature in individuals affected with ATM-related conditions. ClinVar contains an entry for this variant (Variation ID: 181970). An algorithm developed to predict the effect of missense changes on protein structure and function (PolyPhen-2) suggests that this variant is likely to be tolerated. In summary, the available evidence is currently insufficient to determine the role of this variant in disease. Therefore, it has been classified as a Variant of Uncertain Significance.

GeneDx
Classification: Uncertain significance. Last evaluated: 2014-04-30. Review status: criteria provided, single submitter. Criteria: GeneDx Variant Classification (06012015). Collection method: clinical testing. Allele origin: germline. Affected: yes.
Comment: This variant is denoted ATM c.5677T>A at the cDNA level, p.Ser1893Thr (S1893T) at the protein level, and results in the change of a Serine to a Threonine (TCA>ACA). This variant has not, to our knowledge, been published in the literature as pathogenic or benign. ATM Ser1893Thr was not observed in approximately 6,500 individuals of European and African American ancestry in the NHLBI Exome Sequencing Project, indicating it is not a common benign variant in these populations. Since Serine and Threonine share similar properties, this is considered a conservative amino acid substitution. ATM Ser1893Thr occurs at a position that is moderately conserved across species and is located at a site of autophosphorylation (Lavin 2008). In silico analyses predict that this variant is unlikely to alter protein structure or function. Based on currently available information, it is unclear whether ATM Ser1893Thr is pathogenic or benign. We consider it to be a variant of uncertain significance.